The following is an entry in ClinVar:

NM_015047.3(EMC1):c.1927A>T (p.Ile643Leu)

Genes: EMC1 (ER membrane protein complex subunit 1; minus strand), EMC1-AS1 (EMC1 antisense RNA 1; plus strand). Cytogenetic location: 1p36.13.
Variant type: single nucleotide variant.
Coding change: c.1927A>T on transcript NM_015047.3 (MANE Select); coding-DNA position 1927, A replaced by T.
Protein change: p.Ile643Leu; replaces isoleucine 643 with leucine.
Molecular consequence: missense variant.
Genome position (GRCh38, 1-based): chr1:19,231,278, T>A on the plus strand (A>T on the coding strand, the complement: EMC1 is on the minus strand). VCF-style: chr1-19231278-T-A. GRCh37 (hg19) VCF-style: chr1-19557772-T-A.
Other names: c.1924A>T, p.Ile642Leu (NM_001271427.2, NM_001271428.2); c.1861A>T, p.Ile621Leu (NM_001271429.2); c.1936A>T, p.Ile646Leu (NM_001375820.1); c.1933A>T, p.Ile645Leu (NM_001375821.1); c.1927A>T (NM_015047.1); short protein forms I621L, I643L, I642L, I645L, I646L.
Identifiers: ClinVar variation 933808 (VCV000933808.11), dbSNP rs776192703, ClinGen allele CA652469.
Genomic context (GRCh38, chr1:19,231,278, plus strand): 5'-CGGACTCCGCTAGCATGTTCTCCATCCCCTCTGAAGACAGTACCTTGTATTCATCATCTA[T>A]CAACAGCAACACCTTGGCGTAGTCTTGATCCATGACTGGGAGAAGCAAGGACTGCAAGAT-3'
Protein context (NP_055862.1, residues 633-653): DQDYAKVLLL[Ile643Leu]DDEYKVTAFP

ClinVar aggregate classification (germline): Uncertain significance. Review status: criteria provided, multiple submitters, no conflicts (2 of 4 stars). 3 submissions from 3 submitters: Uncertain significance (3). Last evaluated 2026-02-01.

Conditions:
Inborn genetic diseases. Identifiers: MedGen C0950123, MeSH D030342.

Allele frequency attached by ClinVar (database versions not stated): gnomAD exomes 0.00001 and 0.00002; ExAC 0.00002.
gnomAD v4.1: 5 of 1,601,766 alleles (0.00031%); highest among the groups gnomAD compares: Admixed American, 0.0091%; no homozygotes.

Submissions (3):

Labcorp Genetics (formerly Invitae), Labcorp
Classification: Uncertain significance. Last evaluated: 2026-02-01. Review status: criteria provided, single submitter. Criteria: Invitae Variant Classification Sherloc (09022015). Collection method: clinical testing. Allele origin: germline.
Comment: This sequence change replaces isoleucine, which is neutral and non-polar, with leucine, which is neutral and non-polar, at codon 643 of the EMC1 protein (p.Ile643Leu). This variant is present in population databases (rs776192703, gnomAD 0.02%). This variant has not been reported in the literature in individuals affected with EMC1-related conditions. ClinVar contains an entry for this variant (Variation ID: 933808). Invitae Evidence Modeling of protein sequence and biophysical properties (such as structural, functional, and spatial information, amino acid conservation, physicochemical variation, residue mobility, and thermodynamic stability) indicates that this missense variant is not expected to disrupt EMC1 protein function with a negative predictive value of 80%. In summary, the available evidence is currently insufficient to determine the role of this variant in disease. Therefore, it has been classified as a Variant of Uncertain Significance.

Ambry Genetics
Classification: Uncertain significance for Inborn genetic diseases. Last evaluated: 2025-11-24. Review status: criteria provided, single submitter. Criteria: Ambry Variant Classification Scheme 2023. Collection method: clinical testing. Allele origin: germline.

GeneDx
Classification: Uncertain significance. Last evaluated: 2023-12-06. Review status: criteria provided, single submitter. Criteria: GeneDx Variant Classification Process June 2021. Collection method: clinical testing. Allele origin: germline. Affected: yes.
Comment: In silico analysis supports that this missense variant does not alter protein structure/function; Has not been previously published as pathogenic or benign to our knowledge